The following is an entry in ClinVar:

NM_000255.4(MMUT):c.1664C>T (p.Ala555Val)

Gene: MMUT (methylmalonyl-CoA mutase; minus strand). Cytogenetic location: 6p12.3.
Variant type: single nucleotide variant.
Coding change: c.1664C>T on transcript NM_000255.4 (MANE Select); coding-DNA position 1664, C replaced by T.
Protein change: p.Ala555Val; replaces alanine 555 with valine.
Molecular consequence: missense variant.
Genome position (GRCh38, 1-based): chr6:49,444,651, G>A on the plus strand (C>T on the coding strand, the complement: MMUT is on the minus strand). VCF-style: chr6-49444651-G-A. GRCh37 (hg19) VCF-style: chr6-49412364-G-A.
Other names: short protein forms A555V.
Identifiers: ClinVar variation 2746406 (VCV002746406.3), dbSNP rs2481320324, ClinGen allele CA364396464.

ClinVar aggregate classification (germline): Likely pathogenic (1 of 4 stars; one submission).

Submission:

Labcorp Genetics (formerly Invitae), Labcorp
Classification: Likely pathogenic. Last evaluated: 2023-07-25. Review status: criteria provided, single submitter. Criteria: Invitae Variant Classification Sherloc (09022015). Collection method: clinical testing. Allele origin: germline.
Comment: This sequence change replaces alanine, which is neutral and non-polar, with valine, which is neutral and non-polar, at codon 555 of the MUT protein (p.Ala555Val). This variant is not present in population databases (gnomAD no frequency). This variant has not been reported in the literature in individuals affected with MUT-related conditions. Advanced modeling of protein sequence and biophysical properties (such as structural, functional, and spatial information, amino acid conservation, physicochemical variation, residue mobility, and thermodynamic stability) performed at Invitae indicates that this missense variant is expected to disrupt MUT protein function. This variant disrupts the p.Ala555 amino acid residue in MUT. Other variant(s) that disrupt this residue have been determined to be pathogenic (PMID: 26483233, 27233228). This suggests that this residue is clinically significant, and that variants that disrupt this residue are likely to be disease-causing. In summary, the currently available evidence indicates that the variant is pathogenic, but additional data are needed to prove that conclusively. Therefore, this variant has been classified as Likely Pathogenic.

Literature cited by the submitters: PubMed 26483233; PubMed 27233228.